The following is an entry in ClinVar:

NM_021961.6(TEAD1):c.1137C>A (p.Asn379Lys)

Gene: TEAD1 (TEA domain transcription factor 1; plus strand). Cytogenetic location: 11p15.3.
Variant type: single nucleotide variant.
Coding change: c.1137C>A on transcript NM_021961.6 (MANE Select); coding-DNA position 1137, C replaced by A.
Protein change: p.Asn379Lys; replaces asparagine 379 with lysine.
Molecular consequence: missense variant.
Genome position (GRCh38, 1-based): chr11:12,930,296, C>A. VCF-style: chr11-12930296-C-A. GRCh37 (hg19) VCF-style: chr11-12951843-C-A.
Other names: short protein forms N379K.
Identifiers: ClinVar variation 3666936 (VCV003666936.2).

ClinVar aggregate classification (germline): Uncertain significance (1 of 4 stars; one submission).

Submission:

Labcorp Genetics (formerly Invitae), Labcorp
Classification: Uncertain significance. Last evaluated: 2024-09-22. Review status: criteria provided, single submitter. Criteria: Invitae Variant Classification Sherloc (09022015). Collection method: clinical testing. Allele origin: germline.
Comment: This sequence change replaces asparagine, which is neutral and polar, with lysine, which is basic and polar, at codon 379 of the TEAD1 protein (p.Asn379Lys). This variant is not present in population databases (gnomAD no frequency). This variant has not been reported in the literature in individuals affected with TEAD1-related conditions. Invitae Evidence Modeling of protein sequence and biophysical properties (such as structural, functional, and spatial information, amino acid conservation, physicochemical variation, residue mobility, and thermodynamic stability) indicates that this missense variant is expected to disrupt TEAD1 protein function with a positive predictive value of 80%. In summary, the available evidence is currently insufficient to determine the role of this variant in disease. Therefore, it has been classified as a Variant of Uncertain Significance.